The following is an entry in ClinVar:

ClinVar aggregate classification (germline): Benign. Review status: criteria provided, multiple submitters, no conflicts (2 of 4 stars). 2 submissions from 2 submitters: Benign (2). Last evaluated 2018-06-16.

Allele frequency attached by ClinVar (database versions not stated): 1000 Genomes Project 30x 0.14194; TOPMed 0.12865; gnomAD 0.10917; 1000 Genomes Project 0.13538.
gnomAD v4.1: 46,421 of 883,476 alleles (5.3%); highest among the groups gnomAD compares: African/African-American, 33%; 4,051 homozygotes.

Submissions (2):

GeneDx
Classification: Benign. Last evaluated: 2018-06-16. Review status: criteria provided, single submitter. Criteria: GeneDx Variant Classification (06012015). Collection method: clinical testing. Allele origin: germline. Affected: yes.
Comment: This variant is considered likely benign or benign based on one or more of the following criteria: it is a conservative change, it occurs at a poorly conserved position in the protein, it is predicted to be benign by multiple in silico algorithms, and/or has population frequency not consistent with disease.

Breakthrough Genomics
Classification: Benign. Review status: criteria provided, single submitter. Criteria: ACMG Guidelines, 2015. Collection method: not provided. Allele origin: germline. Inheritance: Autosomal recessive inheritance. Affected: yes.

NM_004553.6(NDUFS6):c.310-144C>T

Gene: NDUFS6 (NADH:ubiquinone oxidoreductase subunit S6; plus strand). Cytogenetic location: 5p15.33.
Variant type: single nucleotide variant.
Coding change: c.310-144C>T on transcript NM_004553.6 (MANE Select); 144 bases into the intron before coding-DNA position 310, C replaced by T.
Molecular consequence: intron variant.
Genome position (GRCh38, 1-based): chr5:1,815,707, C>T. VCF-style: chr5-1815707-C-T. GRCh37 (hg19) VCF-style: chr5-1815821-C-T.
Identifiers: ClinVar variation 676282 (VCV000676282.2), dbSNP rs10078791, ClinGen allele CA113035250.